The following is an entry in ClinVar:

NM_004928.3(CFAP410):c.643-168G>A

Gene: CFAP410 (cilia and flagella associated protein 410; minus strand). Cytogenetic location: 21q22.3.
Variant type: single nucleotide variant.
Coding change: c.643-168G>A on transcript NM_004928.3 (MANE Select); 168 bases into the intron before coding-DNA position 643, G replaced by A.
Molecular consequence: intron variant. On other transcripts: missense variant (1).
Genome position (GRCh38, 1-based): chr21:44,330,494, C>T on the plus strand (G>A on the coding strand, the complement: CFAP410 is on the minus strand). VCF-style: chr21-44330494-C-T. GRCh37 (hg19) VCF-style: chr21-45750377-C-T.
Other names: c.968G>A, p.Gly323Glu (NM_001271441.2); c.640-168G>A (NM_001271440.2); c.517-168G>A (NM_001271442.1); short protein forms G323E.
Identifiers: ClinVar variation 4980443 (VCV004980443.1).

ClinVar aggregate classification (germline): Uncertain significance (1 of 4 stars; one submission).

Conditions:
CFAP410-related disorder. Also called: CFAP410-related condition.

Submission:

PreventionGenetics, part of Exact Sciences
Classification: Uncertain significance for CFAP410-related condition. Last evaluated: 2025-09-02. Review status: criteria provided, single submitter. Criteria: ACMG Guidelines, 2015. Collection method: clinical testing. Allele origin: germline.
Comment: The CFAP410 c.968G>A variant is predicted to result in the amino acid substitution p.Gly323Glu. To our knowledge, this variant has not been reported in the literature. This variant is reported in 0.052% of alleles in individuals of African descent in gnomAD, which may be too common to be an unreported cause of disease. Although we suspect that this variant may be benign, at this time, the clinical significance of this variant is uncertain due to the absence of conclusive functional and genetic evidence.